The following is an entry in ClinVar:

ClinVar aggregate classification (germline): Pathogenic/Likely pathogenic. Review status: criteria provided, multiple submitters, no conflicts (2 of 4 stars). 8 submissions from 8 submitters: Pathogenic (5); Likely pathogenic (2). 1 of the submissions does not count toward it. Last evaluated 2025-09-24.

Conditions:
Hereditary cancer-predisposing syndrome. Also called: Hereditary neoplastic syndrome; Neoplastic Syndromes, Hereditary; Tumor predisposition; Hereditary Cancer Syndrome. Identifiers: Orphanet 140162, MedGen C0027672, MeSH D009386, MONDO:0015356.
Multiple endocrine neoplasia, type 1 (MEN1). Also called: MEA I; Endocrine adenomatosis multiple; MEN 1; MEN I; WERMER SYNDROME. Identifiers: Orphanet 652, MedGen C0025267, MeSH D018761, MONDO:0007540, OMIM 131100.

Submissions (8):

Myriad Genetics, Inc.
Classification: Likely pathogenic for Multiple endocrine neoplasia, type 1. Last evaluated: 2025-09-24. Review status: criteria provided, single submitter. Criteria: Myriad Autosomal Dominant, Autosomal Recessive and X-Linked Classification Criteria (2023). Collection method: clinical testing. Allele origin: unknown.
Comment: This variant is considered likely pathogenic. This variant has been reported in multiple individuals with clinical features of gene-specific disease [PMID: 11454510, 40129208, 12050235, 9215689]. This variant is expected to disrupt protein structure [Myriad internal data].

Quest Diagnostics Nichols Institute San Juan Capistrano
Classification: Pathogenic. Last evaluated: 2025-09-05. Review status: criteria provided, single submitter. Criteria: Quest Diagnostics criteria. Collection method: clinical testing. Allele origin: unknown.
Comment: The MEN1 c.1087_1089del (p.Glu363del) variant has been reported in the published literature in individuals with multiple endocrine neoplasia type 1 (MEN1) syndrome or MEN1-related conditions (PMID: 37484956 (2023), 22026581 (2012), 17065424 (2006), 12050235 (2002), 11454510 (2001), 9681842 (1998), 9681840 (1998), 9671267 (1998), 9354421 (1997), 9215689 (1997), 9103196 (1997)). A published functional study indicates that this variant results in decreased protein stability (PMID: 21819486 (2011)). This variant has not been reported in large, multi-ethnic general populations (Genome Aggregation Database). Based on the available information, this variant is classified as pathogenic.

Labcorp Genetics (formerly Invitae), Labcorp
Classification: Pathogenic for Multiple endocrine neoplasia, type 1. Last evaluated: 2025-05-13. Review status: criteria provided, single submitter. Criteria: Invitae Variant Classification Sherloc (09022015). Collection method: clinical testing. Allele origin: germline.
Comment: This variant, c.1087_1089del, results in the deletion of 1 amino acid(s) of the MEN1 protein (p.Glu363del), but otherwise preserves the integrity of the reading frame. This variant is not present in population databases (gnomAD no frequency). This variant has been observed in individuals with hyperparathyroidism and multiple endocrine neoplasia type 1 (PMID: 9215689, 11454510, 12050235, 22026581). It has also been observed to segregate with disease in related individuals. Invitae Evidence Modeling of clinical and family history, age, sex, and reported ancestry of multiple individuals with this MEN1 variant has been performed. This variant is expected to be pathogenic with a positive predictive value of at least 99%. This is a validated machine learning model that incorporates the clinical features of 1,366,787 individuals referred to our laboratory for MEN1 testing. ClinVar contains an entry for this variant (Variation ID: 16685). Algorithms developed to predict the effect of variants on gene product structure and function are not available or were not evaluated for this variant. Experimental studies have shown that this variant affects MEN1 function (PMID: 21819486). For these reasons, this variant has been classified as Pathogenic.

Molecular Pathology, Peter Maccallum Cancer Centre
Classification: Likely pathogenic for Multiple endocrine neoplasia, type 1. Last evaluated: 2024-11-29. Review status: criteria provided, single submitter. Criteria: ACMG Guidelines, 2015. Collection method: clinical testing. Allele origin: germline. Inheritance: Autosomal dominant inheritance.

Ambry Genetics
Classification: Pathogenic for Hereditary cancer-predisposing syndrome. Last evaluated: 2024-06-24. Review status: criteria provided, single submitter. Criteria: Ambry Variant Classification Scheme 2023. Collection method: clinical testing. Allele origin: germline.
Comment: The c.1087_1089delGAG pathogenic mutation (also known as p.E363del), located in coding exon 7 of the MEN1 gene, results from an in-frame GAG deletion between nucleotide positions 1087 and 1089. This results in the in-frame deletion of a glutamic acid residue at codon 363. This alteration has been detected in multiple individuals meeting the clinical criteria for a diagnosis of multiple endocrine neoplasia type 1 (Agarwal SK et al. Hum. Mol. Genet. 1997 Jul;6(7):1169-75; Belar O et al. Clin. Endocrinol. (Oxf). 2012 May;76:719-24; Ambry internal data). In another study, this alteration segregated with disease in five family members whose clinical symptoms included: primary hyperparathyroidism, mild hypercalcemia, and parathyroid hormone levels within the upper normal or slightly elevated range (Miedlich S et al. Eur. J. Endocrinol. 2001 Aug;145(2):155-60). In a study analyzing the stability levels of menin protein, this alteratioin was shown to have ~30% menin stability when compared to wild type (Shimazu S et al. Cancer Sci. 2011 Nov;102(11):2097-102). In addition, this alteration is predicted to be deleterious by in silico analysis (Choi Y et al. PLoS ONE. 2012; 7(10):e46688). This variant is considered to be rare based on population cohorts in the Genome Aggregation Database (gnomAD). Based on the available evidence, this alteration is classified as a pathogenic mutation.

GeneDx
Classification: Pathogenic. Last evaluated: 2021-05-14. Review status: criteria provided, single submitter. Criteria: GeneDx Variant Classification Process June 2021. Collection method: clinical testing. Allele origin: germline. Affected: yes.
Comment: In-frame deletion of 1 amino acid in a non-repeat region predicted to critically alter the protein; Not observed in large population cohorts (Lek 2016); In silico analysis, which includes protein predictors and evolutionary conservation, supports a deleterious effect; Published functional studies demonstrate a damaging effect: decreased menin protein expression and stability (Shimazu 2011); Also known as c.1197_1199delGAG; This variant is associated with the following publications: (PMID: 12050235, 17711922, 9103196, 28193735, 9671267, 21819486, 10730900, 22026581, 11454510, 9354421, 9681840, 10617276, 15281352, 9215689, 29738674, 28881068, 11807402)

Victorian Clinical Genetics Services, Murdoch Childrens Research Institute
Classification: Pathogenic for Multiple endocrine neoplasia, type 1. Last evaluated: 2021-05-06. Review status: criteria provided, single submitter. Criteria: ACMG Guidelines, 2015. Collection method: clinical testing. Allele origin: germline. Inheritance: Autosomal dominant inheritance.
Comment: Based on the classification scheme VCGS_Germline_v1.3.4, this variant is classified as Pathogenic. Following criteria are met: 0102 - Loss of function is a known mechanism of disease in this gene and is associated with multiple endocrine neoplasia 1 (MIM#131100), and familial isolated primary hyperparathyroidism (PMID: 31263451). (I) 0107 - This gene is associated with autosomal dominant disease. (I) 0213 - In-frame insertion/deletion in a non-repetitive region that has high conservation. (SP) 0251 - This variant is heterozygous. (I) 0301 - Variant is absent from gnomAD (both v2 and v3). (SP) 0600 - Variant is located at the MLL1 binding site within the annotated menin domain, forming a stable salt bride (NCBI, PMID: 22936661). (I) 0801 - This variant has strong previous evidence of pathogenicity in unrelated individuals. It has been reported in multiple individuals with multiple endocrine neoplasia type 1 (ClinVar, PMID: 9215689, PMID: 22026581). (SP) 1002 - This variant has moderate functional evidence supporting abnormal protein function. Analysis of protein activity has established that this variant causes a reduction in menin protein stability and expression (PMID: 21819486). (I) Legend: (SP) - Supporting pathogenic, (I) - Information, (SB) - Supporting benign

OMIM
Classification: Pathogenic for MULTIPLE ENDOCRINE NEOPLASIA, TYPE I. Last evaluated: 1997-04-18. Review status: no assertion criteria provided. Collection method: literature only. Allele origin: germline. Not counted in ClinVar's aggregate classification.

Literature cited by the submitters: PubMed 11454510 (cited by 3 submitters); PubMed 40129208 (cited by Myriad Genetics, Inc.); PubMed 12050235 (cited by Myriad Genetics, Inc. and Labcorp Genetics (formerly Invitae), Labcorp); PubMed 9215689 (cited by 4 submitters); PubMed 22026581 (cited by 3 submitters); PubMed 21819486 (cited by 3 submitters); PubMed 10617276 (cited by Ambry Genetics); PubMed 17711922 (cited by Ambry Genetics); PubMed 9103196 (cited by Ambry Genetics and OMIM); PubMed 9354421 (cited by Ambry Genetics); PubMed 31263451 (cited by Victorian Clinical Genetics Services, Murdoch Childrens Research Institute); PubMed 22936661 (cited by Victorian Clinical Genetics Services, Murdoch Childrens Research Institute).

NM_001370259.2(MEN1):c.1087_1089del (p.Glu363del)

Gene: MEN1 (menin 1; minus strand). Cytogenetic location: 11q13.1.
Variant type: Deletion.
Coding change: c.1087_1089del on transcript NM_001370259.2 (MANE Select); coding-DNA positions 1087 to 1089, 3 bases deleted (GAG; older notation c.1087_1089delGAG).
Protein change: p.Glu363del; deletes glutamic acid 363.
Molecular consequence: inframe deletion.
Genome position (GRCh38, 1-based): chr11:64,805,731-64,805,733, CTC deleted on the plus strand (GAG on the coding strand, the reverse complement: MEN1 is on the minus strand); deleting any 3 consecutive bases within chr11:64,805,731-64,805,735 gives the same sequence; the c. name uses the placement nearest the transcript's 3' end. VCF-style (leftmost placement, unchanged base first): chr11-64805730-ACTC-A. GRCh37 (hg19) VCF-style: chr11-64573202-ACTC-A.
Other names: MEN1, 3-BP DEL, GLU363DEL; c.1087_1089delGAG (NM_130799.2); c.1102_1104del, p.Glu368del (NM_000244.4, NM_130800.3, NM_130801.3 and 3 more transcripts); c.1213_1215del, p.Glu405del (NM_001370251.2); c.1087_1089del, p.Glu363del (NM_001370260.2, NM_001370261.2, NM_130799.3); c.982_984del, p.Glu328del (NM_001370262.2, NM_001370263.2); short protein forms E363del, E368del, E405del, E328del.
Identifiers: ClinVar variation 16685 (VCV000016685.22), dbSNP rs869025185, ClinGen allele CA356504.